The following is an entry in ClinVar:

ClinVar aggregate classification (germline): Conflicting classifications of pathogenicity. Review status: criteria provided, conflicting classifications (1 of 4 stars). 2 submissions from 2 submitters: Uncertain significance (1); Likely benign (1). Last evaluated 2025-10-20.

Conditions:
Fibrous dysplasia of jaw (CRBM). Also called: Cherubism. Identifiers: Orphanet 184, MedGen C0008029, MONDO:0007315, OMIM 118400.

Allele frequency attached by ClinVar (database versions not stated): gnomAD exomes 0.00002; ExAC 0.00004; gnomAD 0.00009 and 0.00010; TOPMed 0.00014; ESP Exome Variant Server 0.00015; 1000 Genomes Project 30x 0.00016; 1000 Genomes Project 0.00020.
gnomAD v4.1: 26 of 1,614,104 alleles (0.0016%); highest among the groups gnomAD compares: African/African-American, 0.032%; no homozygotes.

Submissions (2):

Labcorp Genetics (formerly Invitae), Labcorp
Classification: Likely benign for Fibrous dysplasia of jaw. Last evaluated: 2025-10-20. Review status: criteria provided, single submitter. Criteria: Invitae Variant Classification Sherloc (09022015). Collection method: clinical testing. Allele origin: germline.

Center for Genomics, Ann and Robert H. Lurie Children's Hospital of Chicago
Classification: Uncertain significance for Fibrous dysplasia of jaw. Last evaluated: 2021-03-30. Review status: criteria provided, single submitter. Criteria: ACMG Guidelines, 2015. Collection method: clinical testing. Allele origin: germline.
Comment: SH3BP2: NM_003023 exon 11 p.Arg488Arg (c.1464G>T): This variant has not been reported in the literature. Data from large control databases is insufficient for this variant. Evolutionary conservation and computational predictive tools for this variant are limited or unavailable. Of note, this variant is a silent variant and does not change the amino acid, reducing the probability that this variant is disease causing. In summary, data on this variant is insufficient for disease classification. Therefore, the clinical significance of this variant is uncertain.

NM_001122681.2(SH3BP2):c.1464G>T (p.Arg488=)

Gene: SH3BP2 (SH3 domain binding protein 2; plus strand). Cytogenetic location: 4p16.3.
Variant type: single nucleotide variant.
Coding change: c.1464G>T on transcript NM_001122681.2 (MANE Select); coding-DNA position 1464, G replaced by T.
Protein change: p.Arg488=; no amino-acid change (arginine 488 retained).
Molecular consequence: synonymous variant.
Genome position (GRCh38, 1-based): chr4:2,832,388, G>T. VCF-style: chr4-2832388-G-T. GRCh37 (hg19) VCF-style: chr4-2834115-G-T.
Other names: c.1548G>T, p.Arg516= (LRG_1334t2, NM_001145855.2); c.1464G>T, p.Arg488= (LRG_1334t1, NM_003023.4); c.1635G>T, p.Arg545= (NM_001145856.2).
Identifiers: ClinVar variation 626167 (VCV000626167.3), dbSNP rs144848283, ClinGen allele CA2819560.